The following is an entry in ClinVar:

NM_000487.6(ARSA):c.908G>T (p.Gly303Val)

Gene: ARSA (arylsulfatase A; minus strand). Cytogenetic location: 22q13.33.
Variant type: single nucleotide variant.
Coding change: c.908G>T on transcript NM_000487.6 (MANE Select); coding-DNA position 908, G replaced by T.
Protein change: p.Gly303Val; replaces glycine 303 with valine.
Molecular consequence: missense variant.
Genome position (GRCh38, 1-based): chr22:50,626,225, C>A on the plus strand (G>T on the coding strand, the complement: ARSA is on the minus strand). VCF-style: chr22-50626225-C-A. GRCh37 (hg19) VCF-style: chr22-51064653-C-A.
Other names: c.908G>T, p.Gly303Val (NM_001085426.3, NM_001085427.3, NM_001085425.3); c.650G>T, p.Gly217Val (NM_001085428.3, NM_001362782.2); short protein forms G217V, G303V.
Identifiers: ClinVar variation 2856599 (VCV002856599.3), dbSNP rs1421448666, ClinGen allele CA412174706.
Genomic context (GRCh38, chr22:50,626,225, plus strand): 5'-TGACCTGGCCAGAAGGCCAAGGCAGGCTCTCGGACACCGCCCTCGTAGGTCGTTCCCTTT[C>A]CACACCGCAAGAGACCGGAGCAGCCGCCTCGGGACATACGCATGGTCTCAGGTCTGGGAC-3'
Protein context (NP_000478.3, residues 293-313): RGGCSGLLRC[Gly303Val]KGTTYEGGVR

ClinVar aggregate classification (germline): Likely pathogenic (1 of 4 stars; one submission).

Conditions:
Metachromatic leukodystrophy (MLD). Also called: METACHROMATIC LEUKOENCEPHALOPATHY; SULFATIDE LIPIDOSIS; Arylsulfatase A Deficiency; Cerebral sclerosis diffuse metachromatic form; ARSA DEFICIENCY; CEREBROSIDE SULFATASE DEFICIENCY. Identifiers: Orphanet 512, MedGen C0023522, MONDO:0018868, OMIM 250100.

Submission:

Labcorp Genetics (formerly Invitae), Labcorp
Classification: Likely pathogenic for Metachromatic leukodystrophy. Last evaluated: 2023-05-02. Review status: criteria provided, single submitter. Criteria: Invitae Variant Classification Sherloc (09022015). Collection method: clinical testing. Allele origin: germline.
Comment: In summary, the currently available evidence indicates that the variant is pathogenic, but additional data are needed to prove that conclusively. Therefore, this variant has been classified as Likely Pathogenic. This variant disrupts the p.Gly303 amino acid residue in ARSA. Other variant(s) that disrupt this residue have been determined to be pathogenic (PMID: 24001781, 26553228). This suggests that this residue is clinically significant, and that variants that disrupt this residue are likely to be disease-causing. Advanced modeling of protein sequence and biophysical properties (such as structural, functional, and spatial information, amino acid conservation, physicochemical variation, residue mobility, and thermodynamic stability) performed at Invitae indicates that this missense variant is expected to disrupt ARSA protein function. This variant has not been reported in the literature in individuals affected with ARSA-related conditions. This variant is not present in population databases (gnomAD no frequency). This sequence change replaces glycine, which is neutral and non-polar, with valine, which is neutral and non-polar, at codon 303 of the ARSA protein (p.Gly303Val).

Literature cited by the submitters: PubMed 24001781; PubMed 26553228.